The following is an entry in ClinVar:

ClinVar aggregate classification (germline): Likely benign (1 of 4 stars; one submission).

gnomAD v4.1: 2 of 1,612,212 alleles (0.00012%); highest among the groups gnomAD compares: South Asian, 0.0011%; no homozygotes.

Submission:

CeGaT Center for Human Genetics Tuebingen
Classification: Likely benign. Last evaluated: 2025-12-01. Review status: criteria provided, single submitter. Criteria: CeGaT Center For Human Genetics Tuebingen Variant Classification Criteria Version 2. Collection method: clinical testing. Allele origin: germline. Affected: yes. Observed: 1 variant allele.
Comment: TPR: BP4, BP7

NM_003292.3(TPR):c.2563T>C (p.Leu855=)

Gene: TPR (translocated promoter region, nuclear basket protein; minus strand). Cytogenetic location: 1q31.1.
Variant type: single nucleotide variant.
Coding change: c.2563T>C on transcript NM_003292.3 (MANE Select); coding-DNA position 2563, T replaced by C.
Protein change: p.Leu855=; no amino-acid change (leucine 855 retained).
Molecular consequence: synonymous variant.
Genome position (GRCh38, 1-based): chr1:186,351,377, A>G on the plus strand (T>C on the coding strand, the complement: TPR is on the minus strand). VCF-style: chr1-186351377-A-G. GRCh37 (hg19) VCF-style: chr1-186320509-A-G.
Identifiers: ClinVar variation 4681884 (VCV004681884.5).